The following is an entry in ClinVar:

ClinVar aggregate classification (germline): Uncertain significance. Review status: criteria provided, multiple submitters, no conflicts (2 of 4 stars). 2 submissions from 2 submitters: Uncertain significance (2). Last evaluated 2025-01-20.

Conditions:
Stickler syndrome, type 6. Also called: Stickler syndrome, type VI; Stickler syndrome, IIa 6. Identifiers: MedGen C5774207, MONDO:0031047, OMIM 620022.

gnomAD v4.1: 1 of 1,614,232 alleles (0.000062%); highest among the groups gnomAD compares: Non-Finnish European, 0.000085%; no homozygotes.

Submissions (2):

Institute of Human Genetics, University of Leipzig Medical Center
Classification: Uncertain significance for Stickler syndrome, type 6. Last evaluated: 2025-01-20. Review status: criteria provided, single submitter. Criteria: ACMG Guidelines, 2015. Collection method: clinical testing. Allele origin: maternal. Inheritance: Autosomal recessive inheritance. Affected: yes.
Comment: Criteria applied: PM2,PM3,PP3; Identified as compund heterozygous with NM_001853.4:c.1486G>C

Labcorp Genetics (formerly Invitae), Labcorp
Classification: Uncertain significance. Last evaluated: 2022-01-28. Review status: criteria provided, single submitter. Criteria: Invitae Variant Classification Sherloc (09022015). Collection method: clinical testing. Allele origin: germline.
Comment: This sequence change falls in intron 26 of the COL9A3 gene. It does not directly change the encoded amino acid sequence of the COL9A3 protein. It affects a nucleotide within the consensus splice site. This variant is not present in population databases (gnomAD no frequency). This variant has not been reported in the literature in individuals affected with COL9A3-related conditions. Variants that disrupt the consensus splice site are a relatively common cause of aberrant splicing (PMID: 17576681, 9536098). Algorithms developed to predict the effect of sequence changes on RNA splicing suggest that this variant may disrupt the consensus splice site. In summary, the available evidence is currently insufficient to determine the role of this variant in disease. Therefore, it has been classified as a Variant of Uncertain Significance.

Literature cited by the submitters: PubMed 17576681 (cited by Labcorp Genetics (formerly Invitae), Labcorp); PubMed 9536098 (cited by Labcorp Genetics (formerly Invitae), Labcorp).

NM_001853.4(COL9A3):c.1369-3C>G

Genes: COL9A3 (collagen type IX alpha 3 chain; plus strand), LOC126863084 (MED14-independent group 3 enhancer GRCh37_chr20:61467141-61468340; plus strand). Cytogenetic location: 20q13.33.
Variant type: single nucleotide variant.
Coding change: c.1369-3C>G on transcript NM_001853.4 (MANE Select); 3 bases into the intron before coding-DNA position 1369, C replaced by G.
Molecular consequence: intron variant.
Genome position (GRCh38, 1-based): chr20:62,835,918, C>G. VCF-style: chr20-62835918-C-G. GRCh37 (hg19) VCF-style: chr20-61467270-C-G.
Identifiers: ClinVar variation 2090993 (VCV002090993.6), dbSNP rs886056910, ClinGen allele CA2577448471.